The following is an entry in ClinVar:

ClinVar aggregate classification (germline): Uncertain significance (1 of 4 stars; one submission).

Allele frequency attached by ClinVar (database versions not stated): gnomAD exomes below 0.00001; TOPMed below 0.00001.
gnomAD v4.1: 1 of 1,613,320 alleles (0.000062%); highest among the groups gnomAD compares: African/African-American, 0.0013%; no homozygotes.

Submission:

Greenwood Genetic Center Diagnostic Laboratories, Greenwood Genetic Center
Classification: Uncertain significance. Last evaluated: 2023-11-17. Review status: criteria provided, single submitter. Criteria: ACMG Guidelines, 2015. Collection method: clinical testing. Allele origin: germline. Affected: yes.
Comment: PM2, BP4

NM_001365925.2(NLGN1):c.1879T>G (p.Leu627Val)

Gene: NLGN1 (neuroligin 1; plus strand). Cytogenetic location: 3q26.31.
Variant type: single nucleotide variant.
Coding change: c.1879T>G on transcript NM_001365925.2 (MANE Select); coding-DNA position 1879, T replaced by G.
Protein change: p.Leu627Val; replaces leucine 627 with valine.
Molecular consequence: missense variant.
Genome position (GRCh38, 1-based): chr3:174,280,650, T>G. VCF-style: chr3-174280650-T-G. GRCh37 (hg19) VCF-style: chr3-173998440-T-G.
Other names: c.1879T>G, p.Leu627Val (NM_001365923.2, NM_001365924.2, NM_001365926.2 and 2 more transcripts); c.1819T>G, p.Leu607Val (NM_001365929.2, NM_001365930.2, NM_001365931.2 and 3 more transcripts); c.1792T>G, p.Leu598Val (NM_001365934.2, NM_001365935.2, NM_001365936.2); short protein forms L598V, L607V, L627V.
Identifiers: ClinVar variation 2692471 (VCV002692471.1), dbSNP rs1751383874, ClinGen allele CA355544972.